The following is an entry in ClinVar:

NM_178014.4(TUBB):c.352G>T (p.Asp118Tyr)

Gene: TUBB (tubulin beta class I; plus strand). Cytogenetic location: 6p21.33.
Variant type: single nucleotide variant.
Coding change: c.352G>T on transcript NM_178014.4 (MANE Select); coding-DNA position 352, G replaced by T.
Protein change: p.Asp118Tyr; replaces aspartic acid 118 with tyrosine.
Molecular consequence: missense variant.
Genome position (GRCh38, 1-based): chr6:30,723,414, G>T. VCF-style: chr6-30723414-G-T. GRCh37 (hg19) VCF-style: chr6-30691191-G-T.
Other names: c.412G>T, p.Asp138Tyr (NM_001293212.2); c.352G>T, p.Asp118Tyr (NM_001293213.2); c.220G>T, p.Asp74Tyr (NM_001293214.2); c.136G>T, p.Asp46Tyr (NM_001293215.2, NM_001293216.2); short protein forms D118Y, D138Y, D46Y, D74Y.
Identifiers: ClinVar variation 1308242 (VCV001308242.7), dbSNP rs2127749124, ClinGen allele CA363144998.
Genomic context (GRCh38, chr6:30,723,414, plus strand): 5'-GGTAACAACTGGGCCAAAGGCCACTACACAGAGGGCGCCGAGCTGGTTGATTCTGTCCTG[G>T]ATGTGGTACGGAAGGAGGCAGAGAGCTGTGACTGCCTGCAGGGCTTCCAGCTGACCCACT-3'
Protein context (NP_821133.1, residues 108-128): EGAELVDSVL[Asp118Tyr]VVRKEAESCD

ClinVar aggregate classification (germline): Conflicting classifications of pathogenicity. Review status: criteria provided, conflicting classifications (1 of 4 stars). 2 submissions from 2 submitters: Likely pathogenic (1); Uncertain significance (1). Last evaluated 2026-10-14.

Conditions:
Complex cortical dysplasia with other brain malformations 6. Identifiers: MedGen C4014283, MONDO:0014341, OMIM 615771.

Submissions (2):

GeneDx
Classification: Uncertain significance. Last evaluated: 2026-10-14. Review status: criteria provided, single submitter. Criteria: GeneDx Variant Classification Process June 2021. Collection method: clinical testing. Allele origin: germline.
Comment: Not observed at significant frequency in large population cohorts (gnomAD); In silico analysis supports that this missense variant has a deleterious effect on protein structure/function; Has not been previously published as pathogenic or benign to our knowledge

Institute of Human Genetics, University of Leipzig Medical Center
Classification: Likely pathogenic for Complex cortical dysplasia with other brain malformations 6. Last evaluated: 2023-08-28. Review status: criteria provided, single submitter. Criteria: ACMG Guidelines, 2015. Collection method: clinical testing. Allele origin: de novo. Inheritance: Autosomal dominant inheritance. Affected: yes.
Comment: Criteria applied: PM1,PM2_SUP,PP3, PS2_MOD